The following is an entry in ClinVar:

NM_144773.4(PROKR2):c.403C>T (p.Arg135Cys)

Gene: PROKR2 (prokineticin receptor 2; minus strand). Cytogenetic location: 20p12.3.
Variant type: single nucleotide variant.
Coding change: c.403C>T on transcript NM_144773.4 (MANE Select); coding-DNA position 403, C replaced by T.
Protein change: p.Arg135Cys; replaces arginine 135 with cysteine.
Molecular consequence: missense variant.
Genome position (GRCh38, 1-based): chr20:5,313,967, G>A on the plus strand (C>T on the coding strand, the complement: PROKR2 is on the minus strand). VCF-style: chr20-5313967-G-A. GRCh37 (hg19) VCF-style: chr20-5294613-G-A.
Other names: short protein forms R135C.
Identifiers: ClinVar variation 818210 (VCV000818210.45), dbSNP rs149396342, ClinGen allele CA9754361.

ClinVar aggregate classification (germline): Uncertain significance. Review status: criteria provided, multiple submitters, no conflicts (2 of 4 stars). 6 submissions from 6 submitters: Uncertain significance (6). Last evaluated 2025-09-08.

Conditions:
Hypogonadotropic hypogonadism 3 with or without anosmia (HH3). Also called: HYPOGONADOTROPIC HYPOGONADISM 3 WITH ANOSMIA; PROKR2-Related GnRH Deficiency (Kallmann Syndrome 3). Identifiers: Orphanet 478, MedGen C3550478, MONDO:0009482, OMIM 244200.

Allele frequency attached by ClinVar (database versions not stated): gnomAD 0.00003; gnomAD exomes 0.00005; TOPMed 0.00006; ExAC 0.00007; ESP Exome Variant Server 0.00008.
gnomAD v4.1: 75 of 1,614,102 alleles (0.0046%); highest among the groups gnomAD compares: Admixed American, 0.0067%; 1 homozygote.

Submissions (6):

Labcorp Genetics (formerly Invitae), Labcorp
Classification: Uncertain significance. Last evaluated: 2025-09-08. Review status: criteria provided, single submitter. Criteria: Invitae Variant Classification Sherloc (09022015). Collection method: clinical testing. Allele origin: germline.
Comment: This sequence change replaces arginine, which is basic and polar, with cysteine, which is neutral and slightly polar, at codon 135 of the PROKR2 protein (p.Arg135Cys). This variant is present in population databases (rs149396342, gnomAD 0.01%). This missense change has been observed in individual(s) with PROKR2-related conditions (PMID: 32763379, 33468338, 36531499). ClinVar contains an entry for this variant (Variation ID: 818210). Invitae Evidence Modeling of protein sequence and biophysical properties (such as structural, functional, and spatial information, amino acid conservation, physicochemical variation, residue mobility, and thermodynamic stability) indicates that this missense variant is expected to disrupt PROKR2 protein function with a positive predictive value of 80%. Experimental studies have shown that this missense change affects PROKR2 function (PMID: 29161432, 36694982). In summary, the available evidence is currently insufficient to determine the role of this variant in disease. Therefore, it has been classified as a Variant of Uncertain Significance.

Women's Health and Genetics/Laboratory Corporation of America, LabCorp
Classification: Uncertain significance. Last evaluated: 2023-09-20. Review status: criteria provided, single submitter. Criteria: LabCorp Variant Classification Summary - May 2015. Collection method: clinical testing. Allele origin: germline.
Comment: Variant summary: PROKR2 c.403C>T (p.Arg135Cys) results in a non-conservative amino acid change located in the GPCR, rhodopsin-like, 7TM domain (IPR017452) of the encoded protein sequence. Four of five in-silico tools predict a damaging effect of the variant on protein function. The variant allele was found at a frequency of 4.8e-05 in 251408 control chromosomes (gnomAD). c.403C>T has been reported in the literature in individuals affected with Kallmann Syndrome or hypospadias without strong evidence of causality (Cangiano_2019, Gach_2020, Ea_2021). These reports do not provide unequivocal conclusions about association of the variant with Kallmann Syndrome 3. At least one publication reports experimental evidence evaluating an impact on protein function, however, it does not allow convincing conclusions about the variant effect (Cox_2018). The following publications have been ascertained in the context of this evaluation (PMID: 29161432, 32763379, 33468338, 30669598). Five submitters have cited clinical-significance assessments for this variant to ClinVar after 2014. All submitters classified the variant as uncertain significance. Based on the evidence outlined above, the variant was classified as uncertain significance.

CeGaT Center for Human Genetics Tuebingen
Classification: Uncertain significance. Last evaluated: 2022-04-01. Review status: criteria provided, single submitter. Criteria: CeGaT Center For Human Genetics Tuebingen Variant Classification Criteria Version 2. Collection method: clinical testing. Allele origin: germline. Affected: yes. Observed: 1 variant allele.
Comment: PROKR2: PM1

GeneDx
Classification: Uncertain significance. Last evaluated: 2020-11-05. Review status: criteria provided, single submitter. Criteria: GeneDx Variant Classification Process June 2021. Collection method: clinical testing. Allele origin: germline. Affected: yes.
Comment: Has not been previously reported as a pathogenic or benign germline variant to our knowledge; however this variant was listed as a control variant in a study looking at functional effects of variants in PROKR2 and the R135C variant did not show consistent difference in expression from wildtype protein (Cox et al., 2018); In silico analysis supports that this missense variant has a deleterious effect on protein structure/function; This variant is associated with the following publications: (PMID: 29161432, 32763379)

Genetics Department, Polish Mother's Memorial Hospital Research Institute
Classification: Uncertain significance for Hypogonadotropic hypogonadism 3 with or without anosmia. Last evaluated: 2020-03-08. Review status: criteria provided, single submitter. Criteria: ACMG Guidelines, 2015. Collection method: research. Allele origin: unknown. Affected: yes.

Genetic Services Laboratory, University of Chicago
Classification: Uncertain significance. Last evaluated: 2018-04-09. Review status: criteria provided, single submitter. Criteria: ACMG Guidelines, 2015. Collection method: clinical testing. Allele origin: germline. Affected: no.

Literature cited by the submitters: PubMed 32763379 (cited by Labcorp Genetics (formerly Invitae), Labcorp and Women's Health and Genetics/Laboratory Corporation of America, LabCorp); PubMed 33468338 (cited by Labcorp Genetics (formerly Invitae), Labcorp and Women's Health and Genetics/Laboratory Corporation of America, LabCorp); PubMed 36531499 (cited by Labcorp Genetics (formerly Invitae), Labcorp); PubMed 29161432 (cited by Labcorp Genetics (formerly Invitae), Labcorp and Women's Health and Genetics/Laboratory Corporation of America, LabCorp); PubMed 36694982 (cited by Labcorp Genetics (formerly Invitae), Labcorp); PubMed 30669598 (cited by Women's Health and Genetics/Laboratory Corporation of America, LabCorp).